The following is an entry in ClinVar:

NM_000388.4(CASR):c.1567A>G (p.Ile523Val)

Gene: CASR (calcium sensing receptor; plus strand). Cytogenetic location: 3q21.1.
Variant type: single nucleotide variant.
Coding change: c.1567A>G on transcript NM_000388.4 (MANE Select); coding-DNA position 1567, A replaced by G.
Protein change: p.Ile523Val; replaces isoleucine 523 with valine.
Molecular consequence: missense variant.
Genome position (GRCh38, 1-based): chr3:122,276,001, A>G. VCF-style: chr3-122276001-A-G. GRCh37 (hg19) VCF-style: chr3-121994848-A-G.
Other names: c.1567A>G, p.Ile523Val (NM_001178065.2); short protein forms I523V.
Identifiers: ClinVar variation 1367722 (VCV001367722.10), dbSNP rs2107643730, ClinGen allele CA354155459.

ClinVar aggregate classification (germline): Uncertain significance. Review status: criteria provided, multiple submitters, no conflicts (2 of 4 stars). 2 submissions from 2 submitters: Uncertain significance (2). Last evaluated 2023-03-31.

Conditions:
Familial hypocalciuric hypercalcemia (FHH). Also called: Familial benign hypercalcemia. Identifiers: Orphanet 405, MedGen C1809471, MONDO:0018458.
Autosomal dominant hypocalcemia 1 (HYPOC1). Also called: HYPOCALCEMIA, FAMILIAL. Identifiers: MedGen C3715128, MONDO:0011013, OMIM 601198.
Nephrolithiasis/nephrocalcinosis. Identifiers: MedGen CN580796.

Submissions (2):

Labcorp Genetics (formerly Invitae), Labcorp
Classification: Uncertain significance for Familial hypocalciuric hypercalcemia; Autosomal dominant hypocalcemia 1. Last evaluated: 2023-03-31. Review status: criteria provided, single submitter. Criteria: Invitae Variant Classification Sherloc (09022015). Collection method: clinical testing. Allele origin: germline.
Comment: This sequence change replaces isoleucine, which is neutral and non-polar, with valine, which is neutral and non-polar, at codon 523 of the CASR protein (p.Ile523Val). This variant is not present in population databases (gnomAD no frequency). This variant has not been reported in the literature in individuals affected with CASR-related conditions. ClinVar contains an entry for this variant (Variation ID: 1367722). An algorithm developed to predict the effect of missense changes on protein structure and function (PolyPhen-2) suggests that this variant is likely to be tolerated. In summary, the available evidence is currently insufficient to determine the role of this variant in disease. Therefore, it has been classified as a Variant of Uncertain Significance.

Ambry Genetics
Classification: Uncertain significance for Nephrolithiasis/nephrocalcinosis. Last evaluated: 2022-06-01. Review status: criteria provided, single submitter. Criteria: Ambry Variant Classification Scheme 2023. Collection method: clinical testing. Allele origin: germline.
Comment: The p.I523V variant (also known as c.1567A>G), located in coding exon 4 of the CASR gene, results from an A to G substitution at nucleotide position 1567. The isoleucine at codon 523 is replaced by valine, an amino acid with highly similar properties. This amino acid position is conserved. In addition, the in silico prediction for this alteration is inconclusive. Since supporting evidence is limited at this time, the clinical significance of this alteration remains unclear.